The following is an entry in ClinVar:

ClinVar aggregate classification (germline): Uncertain significance (1 of 4 stars; one submission).

Submission:

Labcorp Genetics (formerly Invitae), Labcorp
Classification: Uncertain significance. Last evaluated: 2023-11-19. Review status: criteria provided, single submitter. Criteria: Invitae Variant Classification Sherloc (09022015). Collection method: clinical testing. Allele origin: germline.
Comment: This sequence change creates a premature translational stop signal (p.Ala607Glnfs*43) in the PRPF6 gene. It is expected to result in an absent or disrupted protein product. However, the current clinical and genetic evidence is not sufficient to establish whether loss-of-function variants in PRPF6 cause disease. This variant is not present in population databases (gnomAD no frequency). This variant has not been reported in the literature in individuals affected with PRPF6-related conditions. In summary, the available evidence is currently insufficient to determine the role of this variant in disease. Therefore, it has been classified as a Variant of Uncertain Significance.

NM_012469.4(PRPF6):c.1818del (p.Ala607fs)

Gene: PRPF6 (pre-mRNA processing factor 6; plus strand). Cytogenetic location: 20q13.33.
Variant type: Deletion.
Coding change: c.1818del on transcript NM_012469.4 (MANE Select); coding-DNA position 1818, one base deleted (A; older notation c.1818delA).
Protein change: p.Ala607fs; shifts the reading frame from alanine 607.
Molecular consequence: frameshift variant.
Genome position (GRCh38, 1-based): chr20:64,024,603, A deleted; the last of 3 consecutive A bases (chr20:64,024,601-64,024,603); deleting any one gives the same sequence. VCF-style (leftmost placement, unchanged base first): chr20-64024600-CA-C. GRCh37 (hg19) VCF-style: chr20-62655953-CA-C.
Other names: short protein forms A607fs.
Identifiers: ClinVar variation 2697413 (VCV002697413.3), dbSNP rs2517648197, ClinGen allele CA2697547473.